The following is an entry in ClinVar:

ClinVar aggregate classification (germline): Uncertain significance (1 of 4 stars; one submission).

Conditions:
Autosomal recessive limb-girdle muscular dystrophy type R18 (LGMDR18). Also called: Limb-girdle muscular dystrophy, type 2S; MUSCULAR DYSTROPHY, LIMB-GIRDLE, AUTOSOMAL RECESSIVE 18; Autosomal recessive limb-girdle muscular dystrophy type 2S. Identifiers: Orphanet 369840, MedGen C4517996, MONDO:0014144, OMIM 615356.

gnomAD v4.1: 9 of 1,612,380 alleles (0.00056%); highest among the groups gnomAD compares: Non-Finnish European, 0.00076%; no homozygotes.

Submission:

Labcorp Genetics (formerly Invitae), Labcorp
Classification: Uncertain significance for Autosomal recessive limb-girdle muscular dystrophy type R18. Last evaluated: 2025-02-10. Review status: criteria provided, single submitter. Criteria: Invitae Variant Classification Sherloc (09022015). Collection method: clinical testing. Allele origin: germline.
Comment: This sequence change replaces arginine, which is basic and polar, with leucine, which is neutral and non-polar, at codon 1067 of the TRAPPC11 protein (p.Arg1067Leu). This variant is not present in population databases (gnomAD no frequency). This variant has not been reported in the literature in individuals affected with TRAPPC11-related conditions. ClinVar contains an entry for this variant (Variation ID: 2067538). Invitae Evidence Modeling of protein sequence and biophysical properties (such as structural, functional, and spatial information, amino acid conservation, physicochemical variation, residue mobility, and thermodynamic stability) indicates that this missense variant is expected to disrupt TRAPPC11 protein function with a positive predictive value of 80%. In summary, the available evidence is currently insufficient to determine the role of this variant in disease. Therefore, it has been classified as a Variant of Uncertain Significance.

NM_021942.6(TRAPPC11):c.3200G>T (p.Arg1067Leu)

Gene: TRAPPC11 (trafficking protein particle complex subunit 11; plus strand). Cytogenetic location: 4q35.1.
Variant type: single nucleotide variant.
Coding change: c.3200G>T on transcript NM_021942.6 (MANE Select); coding-DNA position 3200, G replaced by T.
Protein change: p.Arg1067Leu; replaces arginine 1067 with leucine.
Molecular consequence: missense variant. On other transcripts: splice donor variant (1).
Genome position (GRCh38, 1-based): chr4:183,708,417, G>T. VCF-style: chr4-183708417-G-T. GRCh37 (hg19) VCF-style: chr4-184629570-G-T.
Other names: c.3199+1G>T (NM_199053.3); short protein forms R1067L.
Identifiers: ClinVar variation 2067538 (VCV002067538.4), dbSNP rs746515896, ClinGen allele CA358875301.